The following is an entry in ClinVar:

ClinVar aggregate classification (germline): Likely benign (1 of 4 stars; one submission).

Conditions:
BLTP1-related disorder. Also called: BLTP1-related condition.

gnomAD v4.1: 69 of 1,553,672 alleles (0.0044%); highest among the groups gnomAD compares: Non-Finnish European, 0.0055%; no homozygotes.

Submission:

PreventionGenetics, part of Exact Sciences
Classification: Likely benign for BLTP1-related condition. Last evaluated: 2025-04-29. Review status: criteria provided, single submitter. Criteria: ACMG Guidelines, 2015. Collection method: clinical testing. Allele origin: germline.
Comment: This variant is classified as likely benign based on ACMG/AMP sequence variant interpretation guidelines (Richards et al. 2015 PMID: 25741868, with internal and published modifications).

NM_001384125.1(BLTP1):c.7494-9C>T

Gene: BLTP1 (bridge-like lipid transfer protein family member 1; plus strand). Cytogenetic location: 4q27.
Variant type: single nucleotide variant.
Coding change: c.7494-9C>T on transcript NM_001384125.1 (MANE Select); 9 bases into the intron before coding-DNA position 7494, C replaced by T.
Molecular consequence: intron variant.
Genome position (GRCh38, 1-based): chr4:122,271,009, C>T. VCF-style: chr4-122271009-C-T. GRCh37 (hg19) VCF-style: chr4-123192164-C-T.
Other names: c.7494-9C>T (NM_015312.4).
Identifiers: ClinVar variation 4988060 (VCV004988060.1).